The following is an entry in ClinVar:

ClinVar aggregate classification (germline): Uncertain significance (1 of 4 stars; one submission).

Allele frequency attached by ClinVar (database versions not stated): TOPMed below 0.00001; ExAC 0.00001.

Submission:

Labcorp Genetics (formerly Invitae), Labcorp
Classification: Uncertain significance. Last evaluated: 2022-07-06. Review status: criteria provided, single submitter. Criteria: Invitae Variant Classification Sherloc (09022015). Collection method: clinical testing. Allele origin: germline.
Comment: In summary, the available evidence is currently insufficient to determine the role of this variant in disease. Therefore, it has been classified as a Variant of Uncertain Significance. Algorithms developed to predict the effect of missense changes on protein structure and function (SIFT, PolyPhen-2, Align-GVGD) all suggest that this variant is likely to be tolerated. ClinVar contains an entry for this variant (Variation ID: 1354515). This variant has not been reported in the literature in individuals affected with ATP8A2-related conditions. This variant is not present in population databases (gnomAD no frequency). This sequence change replaces asparagine, which is neutral and polar, with serine, which is neutral and polar, at codon 159 of the ATP8A2 protein (p.Asn159Ser).

NM_016529.6(ATP8A2):c.476A>G (p.Asn159Ser)

Gene: ATP8A2 (ATPase phospholipid transporting 8A2). Cytogenetic location: 13q12.13.
Variant type: single nucleotide variant.
Coding change: c.476A>G on transcript NM_016529.6 (MANE Select); coding-DNA position 476, A replaced by G.
Protein change: p.Asn159Ser; replaces asparagine 159 with serine.
Molecular consequence: missense variant.
Genome position (GRCh38, 1-based): chr13:25,533,282, A>G. VCF-style: chr13-25533282-A-G. GRCh37 (hg19) VCF-style: chr13-26107420-A-G.
Other names: c.356A>G, p.Asn119Ser (NM_001313741.1); short protein forms N119S, N159S.
Identifiers: ClinVar variation 1354515 (VCV001354515.8), dbSNP rs768272692, ClinGen allele CA6922573.